The following is an entry in ClinVar:

ClinVar aggregate classification (germline): Uncertain significance (1 of 4 stars; one submission).

gnomAD v4.1: 2 of 1,609,970 alleles (0.00012%); highest among the groups gnomAD compares: South Asian, 0.0022%; no homozygotes.

Submission:

Ambry Genetics
Classification: Uncertain significance. Last evaluated: 2026-05-14. Review status: criteria provided, single submitter. Criteria: Ambry Variant Classification Scheme 2023. Collection method: clinical testing. Allele origin: germline.
Comment: The p.N33I variant (also known as c.98A>T), located in coding exon 1 of the KIF1B gene, results from an A to T substitution at nucleotide position 98. The asparagine at codon 33 is replaced by isoleucine, an amino acid with dissimilar properties. This amino acid position is conserved. In addition, the in silico prediction for this alteration is inconclusive. Based on the available evidence, the clinical significance of this variant remains unclear.

NM_001365951.3(KIF1B):c.98A>T (p.Asn33Ile)

Genes: KIF1B (kinesin family member 1B; plus strand), LOC129388446 (MPRA-validated peak64 silencer; plus strand). Cytogenetic location: 1p36.22.
Variant type: single nucleotide variant.
Coding change: c.98A>T on transcript NM_001365951.3 (MANE Select); coding-DNA position 98, A replaced by T.
Protein change: p.Asn33Ile; replaces asparagine 33 with isoleucine.
Molecular consequence: missense variant.
Genome position (GRCh38, 1-based): chr1:10,232,426, A>T. VCF-style: chr1-10232426-A-T. GRCh37 (hg19) VCF-style: chr1-10292484-A-T.
Other names: c.98A>T, p.Asn33Ile (NM_001365952.1, NM_001365953.1, NM_015074.3 and 1 more transcripts); short protein forms N33I.
Identifiers: ClinVar variation 4858858 (VCV004858858.1).